The following is an entry in ClinVar:

ClinVar aggregate classification (germline): Likely benign. Review status: criteria provided, single submitter (1 of 4 stars). 2 submissions from 2 submitters: Likely benign (1). 1 of the submissions does not count toward it. Last evaluated 2022-02-13.

Conditions:
ALPK2-related disorder. Also called: ALPK2-related condition.

Allele frequency attached by ClinVar (database versions not stated): gnomAD exomes 0.00008; TOPMed 0.00008; gnomAD 0.00009; ExAC 0.00015.
gnomAD v4.1: 176 of 1,612,920 alleles (0.011%); highest among the groups gnomAD compares: East Asian, 0.14%; 2 homozygotes.

Submissions (2):

Ambry Genetics
Classification: Likely benign. Last evaluated: 2022-02-13. Review status: criteria provided, single submitter. Criteria: Ambry Variant Classification Scheme 2023. Collection method: clinical testing. Allele origin: germline.

PreventionGenetics, part of Exact Sciences
Classification: Likely benign for ALPK2-related condition. Last evaluated: 2019-03-25. Review status: no assertion criteria provided. Collection method: clinical testing. Allele origin: germline. Not counted in ClinVar's aggregate classification.
Comment: This variant is classified as likely benign based on ACMG/AMP sequence variant interpretation guidelines (Richards et al. 2015 PMID: 25741868, with internal and published modifications).

NM_052947.4(ALPK2):c.5931C>T (p.Leu1977=)

Gene: ALPK2 (alpha kinase 2; minus strand). Cytogenetic location: 18q21.31.
Variant type: single nucleotide variant.
Coding change: c.5931C>T on transcript NM_052947.4 (MANE Select); coding-DNA position 5931, C replaced by T.
Protein change: p.Leu1977=; no amino-acid change (leucine 1977 retained).
Molecular consequence: synonymous variant.
Genome position (GRCh38, 1-based): chr18:58,516,917, G>A on the plus strand (C>T on the coding strand, the complement: ALPK2 is on the minus strand). VCF-style: chr18-58516917-G-A. GRCh37 (hg19) VCF-style: chr18-56184149-G-A.
Identifiers: ClinVar variation 1750577 (VCV001750577.4), dbSNP rs766688925, ClinGen allele CA8976329.